The following is an entry in ClinVar:

ClinVar aggregate classification (germline): Uncertain significance (1 of 4 stars; one submission).

Conditions:
Inborn genetic diseases. Identifiers: MedGen C0950123, MeSH D030342.

Submission:

Ambry Genetics
Classification: Uncertain significance for Inborn genetic diseases. Last evaluated: 2025-09-12. Review status: criteria provided, single submitter. Criteria: Ambry Variant Classification Scheme 2023. Collection method: clinical testing. Allele origin: germline.
Comment: The p.P237A variant (also known as c.709C>G), located in coding exon 8 of the ASXL1 gene, results from a C to G substitution at nucleotide position 709. The proline at codon 237 is replaced by alanine, an amino acid with highly similar properties. This amino acid position is conserved. In addition, this alteration is predicted to be tolerated by in silico analysis. Based on the available evidence, the clinical significance of this variant remains unclear.

NM_015338.6(ASXL1):c.709C>G (p.Pro237Ala)

Gene: ASXL1 (ASXL transcriptional regulator 1; plus strand). Cytogenetic location: 20q11.21.
Variant type: single nucleotide variant.
Coding change: c.709C>G on transcript NM_015338.6 (MANE Select); coding-DNA position 709, C replaced by G.
Protein change: p.Pro237Ala; replaces proline 237 with alanine.
Molecular consequence: missense variant. On other transcripts: intron variant (1).
Genome position (GRCh38, 1-based): chr20:32,430,044, C>G. VCF-style: chr20-32430044-C-G. GRCh37 (hg19) VCF-style: chr20-31017847-C-G.
Other names: c.535+613C>G (NM_001363734.1); short protein forms P237A.
Identifiers: ClinVar variation 4159628 (VCV004159628.1).